The following is an entry in ClinVar:

NM_001062.4(TCN1):c.275C>T (p.Ser92Leu)

Gene: TCN1 (transcobalamin 1; minus strand). Cytogenetic location: 11q12.1.
Variant type: single nucleotide variant.
Coding change: c.275C>T on transcript NM_001062.4 (MANE Select); coding-DNA position 275, C replaced by T.
Protein change: p.Ser92Leu; replaces serine 92 with leucine.
Molecular consequence: missense variant.
Genome position (GRCh38, 1-based): chr11:59,862,707, G>A on the plus strand (C>T on the coding strand, the complement: TCN1 is on the minus strand). VCF-style: chr11-59862707-G-A. GRCh37 (hg19) VCF-style: chr11-59630180-G-A.
Other names: c.275C>T (NM_001062.3); short protein forms S92L.
Identifiers: ClinVar variation 2155641 (VCV002155641.5), dbSNP rs766356612, ClinGen allele CA6022067.

ClinVar aggregate classification (germline): Uncertain significance. Review status: criteria provided, multiple submitters, no conflicts (2 of 4 stars). 2 submissions from 2 submitters: Uncertain significance (2). Last evaluated 2024-11-20.

Conditions:
Transcobalamin I deficiency (TCN1D). Also called: COBALAMIN PSEUDODEFICIENCY DUE TO TRANSCOBALAMIN DEFICIENCY; COBALAMIN R BINDER PROTEIN DEFICIENCY; TCN1 DEFICIENCY. Identifiers: Orphanet 2967, MedGen C0342700, MONDO:0008659, OMIM 193090.

Allele frequency attached by ClinVar (database versions not stated): TOPMed 0.00003; gnomAD exomes 0.00001; ExAC 0.00002.

Submissions (2):

Ambry Genetics
Classification: Uncertain significance. Last evaluated: 2024-11-20. Review status: criteria provided, single submitter. Criteria: Ambry Variant Classification Scheme 2023. Collection method: clinical testing. Allele origin: germline.

Labcorp Genetics (formerly Invitae), Labcorp
Classification: Uncertain significance for Transcobalamin I deficiency. Last evaluated: 2024-01-22. Review status: criteria provided, single submitter. Criteria: Invitae Variant Classification Sherloc (09022015). Collection method: clinical testing. Allele origin: germline.
Comment: This sequence change replaces serine, which is neutral and polar, with leucine, which is neutral and non-polar, at codon 92 of the TCN1 protein (p.Ser92Leu). This variant is present in population databases (rs766356612, gnomAD 0.004%). This variant has not been reported in the literature in individuals affected with TCN1-related conditions. ClinVar contains an entry for this variant (Variation ID: 2155641). An algorithm developed to predict the effect of missense changes on protein structure and function (PolyPhen-2) suggests that this variant is likely to be disruptive. In summary, the available evidence is currently insufficient to determine the role of this variant in disease. Therefore, it has been classified as a Variant of Uncertain Significance.